The following is an entry in ClinVar:

ClinVar aggregate classification (germline): Conflicting classifications of pathogenicity. Review status: criteria provided, conflicting classifications (1 of 4 stars). 7 submissions from 6 submitters: Pathogenic (1); Likely pathogenic (4); Uncertain significance (2). Last evaluated 2026-09-27.

Conditions:
Thyrotoxic periodic paralysis, susceptibility to, 1 (TTPP1). Identifiers: Orphanet 79102, MedGen C2749982, MONDO:0008570, OMIM 188580.
Malignant hyperthermia, susceptibility to, 5 (MHS5). Also called: CACNA1S-Related Malignant Hyperthermia Susceptibility. Identifiers: Orphanet 423, MedGen C1866077, MONDO:0011163, OMIM 601887.
Hypokalemic periodic paralysis, type 1. Also called: Hypokalemic Periodic Paralysis Type 1 (AD); HypoPP. Identifiers: Orphanet 681, MedGen C3714580, MONDO:0042979, OMIM 170400.

Allele frequency attached by ClinVar (database versions not stated): gnomAD exomes below 0.00001 and 0.00001; gnomAD 0.00001; TOPMed 0.00001.
gnomAD v4.1: 17 of 1,614,008 alleles (0.0011%); highest among the groups gnomAD compares: Non-Finnish European, 0.0013%; no homozygotes.

Submissions (7):

GeneDx
Classification: Likely pathogenic. Last evaluated: 2026-09-27. Review status: criteria provided, single submitter. Criteria: GeneDx Variant Classification Process June 2021. Collection method: clinical testing. Allele origin: germline.
Comment: Nonsense variant predicted to result in protein truncation or nonsense mediated decay in a gene for which loss of function is a known mechanism of disease; Not observed at significant frequency in large population cohorts (gnomAD); Has not been previously published as pathogenic or benign to our knowledge

Color Diagnostics, LLC DBA Color Health
Classification: Uncertain significance for Malignant hyperthermia, susceptibility to, 5. Last evaluated: 2025-06-03. Review status: criteria provided, single submitter. Criteria: ACMG Guidelines, 2015. Collection method: clinical testing. Allele origin: germline.
Comment: This variant changes 1 nucleotide in exon 4 of the CACNA1S gene, creating a premature translation stop signal. This variant is expected to result in an absent or non-functional protein product. This variant has been identified in 3/282810 chromosomes in the general population by the Genome Aggregation Database (gnomAD). Loss of CACNA1S gene function due to truncation variant is not an established disease mechanism for autosomal dominant malignant hyperthermia, although it is associated with other phenotype(s) (ClinVar Variation ID: 495100). Due to insufficient evidence, this variant is classified as a Variant of Uncertain Significance for autosomal dominant malignant hyperthermia.

Labcorp Genetics (formerly Invitae), Labcorp
Classification: Pathogenic for Hypokalemic periodic paralysis, type 1; Malignant hyperthermia, susceptibility to, 5. Last evaluated: 2025-06-03. Review status: criteria provided, single submitter. Criteria: Invitae Variant Classification Sherloc (09022015). Collection method: clinical testing. Allele origin: germline.
Comment: This sequence change creates a premature translational stop signal (p.Arg168*) in the CACNA1S gene. It is expected to result in an absent or disrupted protein product. Loss-of-function variants in CACNA1S are known to be pathogenic (PMID: 26247046, 28012042). The frequency data for this variant in the population databases is considered unreliable, as metrics indicate poor data quality at this position in the gnomAD database. This variant has not been reported in the literature in individuals affected with CACNA1S-related conditions. ClinVar contains an entry for this variant (Variation ID: 504167). For these reasons, this variant has been classified as Pathogenic.

All of Us Research Program, National Institutes of Health
Classification: Uncertain significance for Malignant hyperthermia, susceptibility to, 5. Last evaluated: 2023-07-09. Review status: criteria provided, single submitter. Criteria: ACMG Guidelines, 2015. Collection method: clinical testing. Allele origin: germline. Inheritance: Autosomal dominant inheritance. Observed: 2 variant alleles, 2 heterozygotes.
Comment: This study involves interpretation of variants in research participants for the purpose of population health screening. Participant phenotype was not available at the time of variant classification. Additional details can be found in publication PMID: 35346344, PMCID: PMC8962531

Genome-Nilou Lab
Classification: Likely pathogenic for Malignant hyperthermia, susceptibility to, 5. Last evaluated: 2023-04-11. Review status: criteria provided, single submitter. Criteria: ACMG Guidelines, 2015. Collection method: clinical testing. Allele origin: germline. Affected: no.

Genome-Nilou Lab
Classification: Likely pathogenic for Hypokalemic periodic paralysis, type 1. Last evaluated: 2023-04-11. Review status: criteria provided, single submitter. Criteria: ACMG Guidelines, 2015. Collection method: clinical testing. Allele origin: germline. Affected: no.

Fulgent Genetics
Classification: Likely pathogenic for Hypokalemic periodic paralysis, type 1; Thyrotoxic periodic paralysis, susceptibility to, 1; Malignant hyperthermia, susceptibility to, 5. Last evaluated: 2022-01-18. Review status: criteria provided, single submitter. Criteria: ACMG Guidelines, 2015. Collection method: clinical testing. Allele origin: unknown.

Literature cited by the submitters: PubMed 26247046 (cited by Labcorp Genetics (formerly Invitae), Labcorp); PubMed 28012042 (cited by Labcorp Genetics (formerly Invitae), Labcorp).

NM_000069.3(CACNA1S):c.502C>T (p.Arg168Ter)

Gene: CACNA1S (calcium voltage-gated channel subunit alpha1 S; minus strand). Cytogenetic location: 1q32.1.
Variant type: single nucleotide variant.
Coding change: c.502C>T on transcript NM_000069.3 (MANE Select); coding-DNA position 502, C replaced by T.
Protein change: p.Arg168Ter; replaces arginine 168 with a stop codon.
Molecular consequence: nonsense.
Genome position (GRCh38, 1-based): chr1:201,092,011, G>A on the plus strand (C>T on the coding strand, the complement: CACNA1S is on the minus strand). VCF-style: chr1-201092011-G-A. GRCh37 (hg19) VCF-style: chr1-201061139-G-A.
Other names: short protein forms R168*.
Identifiers: ClinVar variation 504167 (VCV000504167.14), dbSNP rs201998231, ClinGen allele CA35996896.